The following is an entry in ClinVar:

ClinVar aggregate classification (germline): Uncertain significance. Review status: criteria provided, multiple submitters, no conflicts (2 of 4 stars). 2 submissions from 2 submitters: Uncertain significance (2). Last evaluated 2024-08-27.

Conditions:
Colorectal cancer, hereditary nonpolyposis, type 7. Identifiers: Orphanet 144, MedGen C1858380, MONDO:0013725, OMIM 614385.

gnomAD v4.1: 18 of 1,613,052 alleles (0.0011%); highest among the groups gnomAD compares: Admixed American, 0.0017%; no homozygotes.

Submissions (2):

Ambry Genetics
Classification: Uncertain significance. Last evaluated: 2024-08-27. Review status: criteria provided, single submitter. Criteria: Ambry Variant Classification Scheme 2023. Collection method: clinical testing. Allele origin: germline.
Comment: The p.Q1247L variant (also known as c.3740A>T), located in coding exon 7 of the MLH3 gene, results from an A to T substitution at nucleotide position 3740. The glutamine at codon 1247 is replaced by leucine, an amino acid with dissimilar properties. This amino acid position is conserved. In addition, the in silico prediction for this alteration is inconclusive. Since supporting evidence is limited at this time, the clinical significance of this alteration remains unclear.

Labcorp Genetics (formerly Invitae), Labcorp
Classification: Uncertain significance for Colorectal cancer, hereditary nonpolyposis, type 7. Last evaluated: 2020-06-30. Review status: criteria provided, single submitter. Criteria: Invitae Variant Classification Sherloc (09022015). Collection method: clinical testing. Allele origin: germline.
Comment: This sequence change replaces glutamine with leucine at codon 1247 of the MLH3 protein (p.Gln1247Leu). The glutamine residue is weakly conserved and there is a moderate physicochemical difference between glutamine and leucine. In summary, the available evidence is currently insufficient to determine the role of this variant in disease. Therefore, it has been classified as a Variant of Uncertain Significance. Algorithms developed to predict the effect of missense changes on protein structure and function (SIFT, PolyPhen-2, Align-GVGD) all suggest that this variant is likely to be tolerated, but these predictions have not been confirmed by published functional studies and their clinical significance is uncertain. This variant has not been reported in the literature in individuals with MLH3-related conditions. This variant is not present in population databases (ExAC no frequency).

NM_001040108.2(MLH3):c.3740A>T (p.Gln1247Leu)

Gene: MLH3 (mutL homolog 3; minus strand). Cytogenetic location: 14q24.3.
Variant type: single nucleotide variant.
Coding change: c.3740A>T on transcript NM_001040108.2 (MANE Select); coding-DNA position 3740, A replaced by T.
Protein change: p.Gln1247Leu; replaces glutamine 1247 with leucine.
Molecular consequence: missense variant.
Genome position (GRCh38, 1-based): chr14:75,032,155, T>A on the plus strand (A>T on the coding strand, the complement: MLH3 is on the minus strand). VCF-style: chr14-75032155-T-A. GRCh37 (hg19) VCF-style: chr14-75498858-T-A.
Other names: c.3668A>T, p.Gln1223Leu (NM_014381.3); short protein forms Q1223L, Q1247L.
Identifiers: ClinVar variation 944558 (VCV000944558.13), dbSNP rs909033868, ClinGen allele CA263639503.
Genomic context (GRCh38, chr14:75,032,155, plus strand): 5'-ACTGTTATCTCTAGCGGAGGAATTAGAGTAGAAGACAGTAATTTTTTCCGACCAGAGCCT[T>A]GTGCCTGTTGCTTCTCGTAGGAATCTATTGGCAGAAAGATGAATGGGTTAAGAGTAGGAA-3'
Protein context (NP_001035197.1, residues 1237-1257): IIDSYEKQQA[Gln1247Leu]GSGRKKLLSS